The following is an entry in ClinVar:

NM_001098511.3(KIF2A):c.65-20T>C

Gene: KIF2A (kinesin family member 2A; plus strand). Cytogenetic location: 5q12.1.
Variant type: single nucleotide variant.
Coding change: c.65-20T>C on transcript NM_001098511.3 (MANE Select); 20 bases into the intron before coding-DNA position 65, T replaced by C.
Molecular consequence: intron variant.
Genome position (GRCh38, 1-based): chr5:62,347,110, T>C. VCF-style: chr5-62347110-T-C. GRCh37 (hg19) VCF-style: chr5-61642937-T-C.
Other names: c.-17-20T>C (NM_001243952.2); c.65-20T>C (NM_004520.5, NM_001243953.2).
Identifiers: ClinVar variation 380829 (VCV000380829.13), dbSNP rs3213940, ClinGen allele CA3278685.
Genomic context (GRCh38, chr5:62,347,110, plus strand): 5'-GTTATAAAATTGTATTTCACAGTGTTTAGGAATGCCATAATTTGTGGCATTTTTAAGGTG[T>C]ATACTTTATTCCCACATAGGCCGAATACATCAAGCAATGGTAACATCTTTAAATGAAGAT-3'

ClinVar aggregate classification (germline): Benign. Review status: criteria provided, multiple submitters, no conflicts (2 of 4 stars). 4 submissions from 4 submitters: Benign (4). Last evaluated 2026-02-03.

Conditions:
Complex cortical dysplasia with other brain malformations 3. Identifiers: MedGen C3809414, MONDO:0014170, OMIM 615411.

Allele frequency attached by ClinVar (database versions not stated): 1000 Genomes Project 30x 0.20581; 1000 Genomes Project 0.20986; gnomAD exomes 0.23459; gnomAD 0.23902 and 0.24224; TOPMed 0.24001; ESP Exome Variant Server 0.25254; ExAC 0.30072.
gnomAD v4.1: 347,817 of 1,422,270 alleles (24%); highest among the groups gnomAD compares: Middle Eastern, 27%; 43,376 homozygotes.

Submissions (4):

Labcorp Genetics (formerly Invitae), Labcorp
Classification: Benign. Last evaluated: 2026-02-03. Review status: criteria provided, single submitter. Criteria: Invitae Variant Classification Sherloc (09022015). Collection method: clinical testing. Allele origin: germline.

Genome-Nilou Lab
Classification: Benign for Complex cortical dysplasia with other brain malformations 3. Last evaluated: 2021-08-19. Review status: criteria provided, single submitter. Criteria: ACMG Guidelines, 2015. Collection method: clinical testing. Allele origin: germline. Affected: no.

GeneDx
Classification: Benign. Last evaluated: 2016-01-11. Review status: criteria provided, single submitter. Criteria: GeneDx Variant Classification (06012015). Collection method: clinical testing. Allele origin: germline. Affected: yes.
Comment: This variant is considered likely benign or benign based on one or more of the following criteria: it is a conservative change, it occurs at a poorly conserved position in the protein, it is predicted to be benign by multiple in silico algorithms, and/or has population frequency not consistent with disease.

Breakthrough Genomics
Classification: Benign. Review status: criteria provided, single submitter. Criteria: ACMG Guidelines, 2015. Collection method: not provided. Allele origin: germline. Inheritance: Autosomal dominant inheritance. Affected: yes.